The following is an entry in ClinVar:

ClinVar aggregate classification (germline): Uncertain significance. Review status: criteria provided, multiple submitters, no conflicts (2 of 4 stars). 4 submissions from 4 submitters: Uncertain significance (4). Last evaluated 2025-04-04.

Conditions:
Inborn genetic diseases. Identifiers: MedGen C0950123, MeSH D030342.
Neonatal-onset encephalopathy with rigidity and seizures. Also called: Lethal neonatal spasticity-epileptic encephalopathy syndrome. Identifiers: Orphanet 435845, MedGen C3281029, MONDO:0013784, OMIM 614498.

Allele frequency attached by ClinVar (database versions not stated): gnomAD exomes 0.00008; gnomAD 0.00008 and 0.00010; ExAC 0.00017; ESP Exome Variant Server 0.00015; TOPMed 0.00007.
gnomAD v4.1: 110 of 1,609,798 alleles (0.0068%); highest among the groups gnomAD compares: Admixed American, 0.014%; no homozygotes.

Submissions (4):

Ambry Genetics
Classification: Uncertain significance for Inborn genetic diseases. Last evaluated: 2025-04-04. Review status: criteria provided, single submitter. Criteria: Ambry Variant Classification Scheme 2023. Collection method: clinical testing. Allele origin: germline.

Labcorp Genetics (formerly Invitae), Labcorp
Classification: Uncertain significance for Neonatal-onset encephalopathy with rigidity and seizures. Last evaluated: 2022-10-26. Review status: criteria provided, single submitter. Criteria: Invitae Variant Classification Sherloc (09022015). Collection method: clinical testing. Allele origin: germline.
Comment: This sequence change replaces threonine, which is neutral and polar, with serine, which is neutral and polar, at codon 484 of the BRAT1 protein (p.Thr484Ser). This variant is present in population databases (rs200248064, gnomAD 0.01%). This variant has not been reported in the literature in individuals affected with BRAT1-related conditions. ClinVar contains an entry for this variant (Variation ID: 572668). Advanced modeling of protein sequence and biophysical properties (such as structural, functional, and spatial information, amino acid conservation, physicochemical variation, residue mobility, and thermodynamic stability) performed at Invitae indicates that this missense variant is not expected to disrupt BRAT1 protein function. In summary, the available evidence is currently insufficient to determine the role of this variant in disease. Therefore, it has been classified as a Variant of Uncertain Significance.

GeneDx
Classification: Uncertain significance. Last evaluated: 2021-06-01. Review status: criteria provided, single submitter. Criteria: GeneDx Variant Classification Process June 2021. Collection method: clinical testing. Allele origin: germline. Affected: yes.
Comment: Not observed at significant frequency in large population cohorts (Lek et al., 2016); In silico analysis supports that this missense variant does not alter protein structure/function; Has not been previously published as pathogenic or benign to our knowledge; This variant is associated with the following publications: (PMID: 26582918)

Athena Diagnostics
Classification: Uncertain significance. Last evaluated: 2017-11-10. Review status: criteria provided, single submitter. Criteria: Athena Diagnostics Criteria. Collection method: clinical testing. Allele origin: germline.

NM_152743.4(BRAT1):c.1451C>G (p.Thr484Ser)

Gene: BRAT1 (BRCA1 associated ATM activator 1; minus strand). Cytogenetic location: 7p22.3.
Variant type: single nucleotide variant.
Coding change: c.1451C>G on transcript NM_152743.4 (MANE Select); coding-DNA position 1451, C replaced by G.
Protein change: p.Thr484Ser; replaces threonine 484 with serine.
Molecular consequence: missense variant. On other transcripts: non-coding transcript variant (1).
Genome position (GRCh38, 1-based): chr7:2,539,833, G>C on the plus strand (C>G on the coding strand, the complement: BRAT1 is on the minus strand). VCF-style: chr7-2539833-G-C. GRCh37 (hg19) VCF-style: chr7-2579467-G-C.
Other names: c.1451C>G, p.Thr484Ser (NM_001350626.2); c.926C>G, p.Thr309Ser (NM_001350627.2); short protein forms T484S, T309S.
Identifiers: ClinVar variation 572668 (VCV000572668.8), dbSNP rs200248064, ClinGen allele CA4127744.